The following is an entry in ClinVar:

NM_003907.3(EIF2B5):c.56G>T (p.Arg19Leu)

Gene: EIF2B5 (eukaryotic translation initiation factor 2B subunit epsilon; plus strand). Cytogenetic location: 3q27.1.
Variant type: single nucleotide variant.
Coding change: c.56G>T on transcript NM_003907.3 (MANE Select); coding-DNA position 56, G replaced by T.
Protein change: p.Arg19Leu; replaces arginine 19 with leucine.
Molecular consequence: missense variant.
Genome position (GRCh38, 1-based): chr3:184,135,441, G>T. VCF-style: chr3-184135441-G-T. GRCh37 (hg19) VCF-style: chr3-183853229-G-T.
Other names: short protein forms R19L.
Identifiers: ClinVar variation 2662452 (VCV002662452.3), dbSNP rs778450844, ClinGen allele CA2726307.

ClinVar aggregate classification (germline): Uncertain significance. Review status: criteria provided, multiple submitters, no conflicts (2 of 4 stars). 3 submissions from 3 submitters: Uncertain significance (3). Last evaluated 2024-10-28.

Conditions:
Inborn genetic diseases. Identifiers: MedGen C0950123, MeSH D030342.

Allele frequency attached by ClinVar (database versions not stated): gnomAD exomes below 0.00001; ExAC 0.00003; gnomAD 0.00003; TOPMed 0.00004.
gnomAD v4.1: 15 of 1,581,320 alleles (0.00095%); highest among the groups gnomAD compares: East Asian, 0.016%; no homozygotes.

Submissions (3):

Blueprint Genetics
Classification: Uncertain significance. Last evaluated: 2024-10-28. Review status: criteria provided, single submitter. Criteria: ACMG Guidelines, 2015. Collection method: clinical testing. Allele origin: germline.

Ambry Genetics
Classification: Uncertain significance for Inborn genetic diseases. Last evaluated: 2024-02-05. Review status: criteria provided, single submitter. Criteria: Ambry Variant Classification Scheme 2023. Collection method: clinical testing. Allele origin: germline.

GeneDx
Classification: Uncertain significance. Last evaluated: 2023-10-22. Review status: criteria provided, single submitter. Criteria: GeneDx Variant Classification Process June 2021. Collection method: clinical testing. Allele origin: germline. Affected: yes.
Comment: In silico analysis supports that this missense variant does not alter protein structure/function; Has not been previously published as pathogenic or benign to our knowledge